The following is an entry in ClinVar:

NM_000093.5(COL5A1):c.5434A>G (p.Ile1812Val)

Genes: COL5A1 (collagen type V alpha 1 chain; plus strand), LOC101448202 (uncharacterized LOC101448202; minus strand). Cytogenetic location: 9q34.3.
Variant type: single nucleotide variant.
Coding change: c.5434A>G on transcript NM_000093.5 (MANE Select); coding-DNA position 5434, A replaced by G.
Protein change: p.Ile1812Val; replaces isoleucine 1812 with valine.
Molecular consequence: missense variant.
Genome position (GRCh38, 1-based): chr9:134,842,220, A>G. VCF-style: chr9-134842220-A-G. GRCh37 (hg19) VCF-style: chr9-137734066-A-G.
Other names: c.5434A>G, p.Ile1812Val (NM_001278074.1); short protein forms I1812V.
Identifiers: ClinVar variation 3371873 (VCV003371873.1).
Genomic context (GRCh38, chr9:134,842,220, plus strand): 5'-AAGAAAGGCTACCAGAAGACGGTTCTGGAGATCGACACCCCCAAAGTGGAGCAGGTGCCC[A>G]TCGTGGACATCATGTTCAATGACTTCGGTGAAGCGTCACAGAAATTTGGATTTGAAGTGG-3'
Protein context (NP_000084.3, residues 1802-1822): IDTPKVEQVP[Ile1812Val]VDIMFNDFGE

ClinVar aggregate classification (germline): Uncertain significance (1 of 4 stars; one submission).

gnomAD v4.1: 3 of 1,614,200 alleles (0.00019%); highest among the groups gnomAD compares: African/African-American, 0.0013%; no homozygotes.

Submission:

GeneDx
Classification: Uncertain significance. Last evaluated: 2024-04-02. Review status: criteria provided, single submitter. Criteria: GeneDx Variant Classification Process June 2021. Collection method: clinical testing. Allele origin: germline. Affected: yes.
Comment: Not observed at significant frequency in large population cohorts (gnomAD); In silico analysis supports that this missense variant does not alter protein structure/function; Has not been previously published as pathogenic or benign to our knowledge; Not located in the triple helical region, where the majority of pathogenic missense variants occur (PMID: 22696272; HGMD); This variant is associated with the following publications: (PMID: 22696272)